The following is an entry in ClinVar:

ClinVar aggregate classification (germline): Uncertain significance. Review status: criteria provided, multiple submitters, no conflicts (2 of 4 stars). 2 submissions from 2 submitters: Uncertain significance (2). Last evaluated 2025-10-15.

Conditions:
Inborn genetic diseases. Identifiers: MedGen C0950123, MeSH D030342.

Submissions (2):

Ambry Genetics
Classification: Uncertain significance for Inborn genetic diseases. Last evaluated: 2025-10-15. Review status: criteria provided, single submitter. Criteria: Ambry Variant Classification Scheme 2023. Collection method: clinical testing. Allele origin: germline.
Comment: The p.E273A variant (also known as c.818A>C), located in coding exon 1 of the SAMD9L gene, results from an A to C substitution at nucleotide position 818. The glutamic acid at codon 273 is replaced by alanine, an amino acid with dissimilar properties. This amino acid position is conserved. In addition, this alteration is predicted to be tolerated by in silico analysis. Based on the available evidence, the clinical significance of this variant remains unclear.

Labcorp Genetics (formerly Invitae), Labcorp
Classification: Uncertain significance. Last evaluated: 2024-09-12. Review status: criteria provided, single submitter. Criteria: Invitae Variant Classification Sherloc (09022015). Collection method: clinical testing. Allele origin: germline.
Comment: This sequence change replaces glutamic acid, which is acidic and polar, with alanine, which is neutral and non-polar, at codon 273 of the SAMD9L protein (p.Glu273Ala). This variant is not present in population databases (gnomAD no frequency). This variant has not been reported in the literature in individuals affected with SAMD9L-related conditions. An algorithm developed to predict the effect of missense changes on protein structure and function (PolyPhen-2) suggests that this variant is likely to be disruptive. In summary, the available evidence is currently insufficient to determine the role of this variant in disease. Therefore, it has been classified as a Variant of Uncertain Significance.

NM_152703.5(SAMD9L):c.818A>C (p.Glu273Ala)

Gene: SAMD9L (sterile alpha motif domain containing 9 like; minus strand). Cytogenetic location: 7q21.2.
Variant type: single nucleotide variant.
Coding change: c.818A>C on transcript NM_152703.5 (MANE Select); coding-DNA position 818, A replaced by C.
Protein change: p.Glu273Ala; replaces glutamic acid 273 with alanine.
Molecular consequence: missense variant.
Genome position (GRCh38, 1-based): chr7:93,135,154, T>G on the plus strand (A>C on the coding strand, the complement: SAMD9L is on the minus strand). VCF-style: chr7-93135154-T-G. GRCh37 (hg19) VCF-style: chr7-92764467-T-G.
Other names: c.818A>C (NM_152703.2); c.818A>C, p.Glu273Ala (NM_001303496.3, NM_001303497.3, NM_001303498.3 and 5 more transcripts); short protein forms E273A.
Identifiers: ClinVar variation 3693412 (VCV003693412.3).